The following is an entry in ClinVar:

NM_001904.4(CTNNB1):c.85_98delinsAA (p.Ser29_Ser33delinsAsn)

Genes: CTNNB1 (catenin beta 1; plus strand), LOC126806658 (BRD4-independent group 4 enhancer GRCh37_chr3:41265899-41267098; plus strand). Cytogenetic location: 3p22.1.
Variant type: Indel.
Coding change: c.85_98delinsAA on transcript NM_001904.4 (MANE Select); coding-DNA positions 85 to 98, TCTTACCTGGACTC replaced by AA.
Protein change: p.Ser29_Ser33delinsAsn.
Molecular consequence: inframe indel.
Genome position (GRCh38, 1-based): chr3:41,224,597-41,224,610, TCTTACCTGGACTC replaced by AA. VCF-style: chr3-41224597-TCTTACCTGGACTC-AA. GRCh37 (hg19) VCF-style: chr3-41266088-TCTTACCTGGACTC-AA.
Other names: c.85_98delinsAA, p.Ser29_Ser33delinsAsn (NM_001098209.2, NM_001098210.2, NM_001438871.1 and 4 more transcripts); c.64_77delinsAA, p.Ser22_Ser26delinsAsn (NM_001330729.2).
Identifiers: ClinVar variation 4530133 (VCV004530133.1).

ClinVar aggregate classification (somatic clinical impact): Tier I - Strong (1 of 4 stars; one submission).

Conditions:
Adamantinous craniopharyngioma. Identifiers: MedGen C0431129, MONDO:0002787.

Submission:

Institute for Genomic Medicine (IGM) Clinical Laboratory, Nationwide Children's Hospital
Classification: Tier I - Strong for Adamantinous craniopharyngioma. Assertion type: diagnostic. Clinical significance: supports diagnosis. Last evaluated: 2023-06-02. Review status: criteria provided, single submitter. Criteria: AMP/ASCO/CAP Guidelines, 2017. Collection method: clinical testing. Allele origin: somatic. Affected: yes.
Comment: Variant has Tier I (strong) clinical significance as a diagnostic inclusion criterion in adamantinous craniopharyngioma, based on the following evidence: 1) Diagnostic for a specific tumor type/classification according to professional guidelines (Evidence Level A; PMIDs: 12466115, 24413733, 28069929).

Literature cited by the submitters: PubMed 12466115; PubMed 24413733; PubMed 28069929.